The following is an entry in ClinVar:

ClinVar aggregate classification (germline): Pathogenic (1 of 4 stars; one submission).

Conditions:
Actin accumulation myopathy (CMYO2A). Also called: Nemaline myopathy type 3; Myopathy, actin, congenital, with excess of thin myofilaments; CONGENITAL MYOPATHY 2A, TYPICAL, AUTOSOMAL DOMINANT; Myopathy, actin, congenital, with cores; Nemaline myopathy 3, with intranuclear rods. Identifiers: Orphanet 98904, MedGen C3711389, MONDO:0008070, OMIM 161800.

Submission:

Labcorp Genetics (formerly Invitae), Labcorp
Classification: Pathogenic for Actin accumulation myopathy. Last evaluated: 2018-08-27. Review status: criteria provided, single submitter. Criteria: Invitae Variant Classification Sherloc (09022015). Collection method: clinical testing. Allele origin: germline.
Comment: This sequence change replaces alanine with glycine at codon 140 of the ACTA1 protein (p.Ala140Gly). The alanine residue is highly conserved and there is a small physicochemical difference between alanine and glycine. This variant is not present in population databases (ExAC no frequency). Algorithms developed to predict the effect of missense changes on protein structure and function are either unavailable or do not agree on the potential impact of this missense change (SIFT: "Deleterious"; PolyPhen-2: "Benign"; Align-GVGD: "Class C55"). The observation of one or more missense substitutions at this codon (p.Ala140ProÂ¬â€ andÂ¬â€ p.Ala140Asp) in affected individuals suggests that this may be a clinically significant residue (PMID:Â¬â€ 12921789,Â¬â€ 19562689). For these reasons, this variant has been classified as Pathogenic.

NM_001100.4(ACTA1):c.419C>G (p.Ala140Gly)

Gene: ACTA1 (actin alpha 1, skeletal muscle; minus strand). Cytogenetic location: 1q42.13.
Variant type: single nucleotide variant.
Coding change: c.419C>G on transcript NM_001100.4 (MANE Select); coding-DNA position 419, C replaced by G.
Protein change: p.Ala140Gly; replaces alanine 140 with glycine.
Molecular consequence: missense variant.
Genome position (GRCh38, 1-based): chr1:229,432,591, G>C on the plus strand (C>G on the coding strand, the complement: ACTA1 is on the minus strand). VCF-style: chr1-229432591-G-C. GRCh37 (hg19) VCF-style: chr1-229568338-G-C.
Other names: short protein forms A140G.
Identifiers: ClinVar variation 565462 (VCV000565462.2), dbSNP rs1435160117, ClinGen allele CA345149244.